The following is an entry in ClinVar:

NM_001166114.2(PNPLA6):c.839G>A (p.Arg280Gln)

Gene: PNPLA6 (patatin like domain 6, lysophospholipase; plus strand). Cytogenetic location: 19p13.2.
Variant type: single nucleotide variant.
Coding change: c.839G>A on transcript NM_001166114.2 (MANE Select); coding-DNA position 839, G replaced by A.
Protein change: p.Arg280Gln; replaces arginine 280 with glutamine.
Molecular consequence: missense variant.
Genome position (GRCh38, 1-based): chr19:7,540,966, G>A. VCF-style: chr19-7540966-G-A. GRCh37 (hg19) VCF-style: chr19-7605852-G-A.
Other names: c.866G>A, p.Arg289Gln (NM_001166111.2); c.722G>A, p.Arg241Gln (NM_001166112.2, NM_001166113.1, NM_006702.5); short protein forms R241Q, R289Q, R280Q.
Identifiers: ClinVar variation 2157019 (VCV002157019.4), dbSNP rs1176299190, ClinGen allele CA403106265.

ClinVar aggregate classification (germline): Uncertain significance (1 of 4 stars; one submission).

Conditions:
Hereditary spastic paraplegia 39 (SPG39). Also called: Spastic Paraplegia Type 39 (SPG39); SPASTIC PARAPLEGIA 39, AUTOSOMAL RECESSIVE. Identifiers: Orphanet 139480, MedGen C2677586, MONDO:0012787, OMIM 612020.

Allele frequency attached by ClinVar (database versions not stated): gnomAD exomes below 0.00001; TOPMed below 0.00001; gnomAD 0.00001.
gnomAD v4.1: 5 of 1,611,422 alleles (0.00031%); highest among the groups gnomAD compares: African/African-American, 0.0013%; no homozygotes.

Submission:

Labcorp Genetics (formerly Invitae), Labcorp
Classification: Uncertain significance for Hereditary spastic paraplegia 39. Last evaluated: 2022-03-22. Review status: criteria provided, single submitter. Criteria: Invitae Variant Classification Sherloc (09022015). Collection method: clinical testing. Allele origin: germline.
Comment: In summary, the available evidence is currently insufficient to determine the role of this variant in disease. Therefore, it has been classified as a Variant of Uncertain Significance. Algorithms developed to predict the effect of sequence changes on RNA splicing suggest that this variant may create or strengthen a splice site. Algorithms developed to predict the effect of missense changes on protein structure and function (SIFT, PolyPhen-2, Align-GVGD) all suggest that this variant is likely to be tolerated. This variant has not been reported in the literature in individuals affected with PNPLA6-related conditions. This variant is not present in population databases (gnomAD no frequency). This sequence change replaces arginine, which is basic and polar, with glutamine, which is neutral and polar, at codon 241 of the PNPLA6 protein (p.Arg241Gln).